The following is an entry in ClinVar:

NM_001113378.2(FANCI):c.2467C>T (p.Gln823Ter)

Gene: FANCI (FA complementation group I; plus strand). Cytogenetic location: 15q26.1.
Variant type: single nucleotide variant.
Coding change: c.2467C>T on transcript NM_001113378.2 (MANE Select); coding-DNA position 2467, C replaced by T.
Protein change: p.Gln823Ter; replaces glutamine 823 with a stop codon.
Molecular consequence: nonsense. On other transcripts: intron variant (1).
Genome position (GRCh38, 1-based): chr15:89,294,925, C>T. VCF-style: chr15-89294925-C-T. GRCh37 (hg19) VCF-style: chr15-89838156-C-T.
Other names: c.2188C>T, p.Gln730Ter (NM_001376910.1); c.2467C>T, p.Gln823Ter (NM_001376911.1); c.2456+928C>T (NM_018193.3); short protein forms Q823*, Q730*.
Identifiers: ClinVar variation 2169244 (VCV002169244.6), dbSNP rs1173818227, ClinGen allele CA393750608.

ClinVar aggregate classification (germline): Pathogenic/Likely pathogenic. Review status: criteria provided, multiple submitters, no conflicts (2 of 4 stars). 2 submissions from 2 submitters: Pathogenic (1); Likely pathogenic (1). Last evaluated 2023-12-13.

Conditions:
Fanconi anemia complementation group I (FANCI). Also called: FANCI-Related Fanconi Anemia. Identifiers: Orphanet 84, MedGen C1836861, MONDO:0012186, OMIM 609053.
Fanconi anemia (FA). Also called: Fanconi's anemia. Identifiers: Orphanet 84, MedGen C0015625, MeSH D005199, MONDO:0019391.

Submissions (2):

Baylor Genetics
Classification: Likely pathogenic for Fanconi anemia complementation group I. Last evaluated: 2023-12-13. Review status: criteria provided, single submitter. Criteria: ACMG Guidelines, 2015. Collection method: clinical testing. Allele origin: unknown.

Labcorp Genetics (formerly Invitae), Labcorp
Classification: Pathogenic for Fanconi anemia. Last evaluated: 2022-04-10. Review status: criteria provided, single submitter. Criteria: Invitae Variant Classification Sherloc (09022015). Collection method: clinical testing. Allele origin: germline.
Comment: This sequence change creates a premature translational stop signal (p.Gln823*) in the FANCI gene. It is expected to result in an absent or disrupted protein product. Loss-of-function variants in FANCI are known to be pathogenic (PMID: 17452773, 17460694). This variant is not present in population databases (gnomAD no frequency). This variant has not been reported in the literature in individuals affected with FANCI-related conditions. For these reasons, this variant has been classified as Pathogenic.

Literature cited by the submitters: PubMed 17452773 (cited by Labcorp Genetics (formerly Invitae), Labcorp); PubMed 17460694 (cited by Labcorp Genetics (formerly Invitae), Labcorp).